The following is an entry in ClinVar:

NM_001035.3(RYR2):c.2203+5G>A

Gene: RYR2 (ryanodine receptor 2; plus strand). Cytogenetic location: 1q43.
Variant type: single nucleotide variant.
Coding change: c.2203+5G>A on transcript NM_001035.3 (MANE Select); 5 bases into the intron after coding-DNA position 2203, G replaced by A.
Molecular consequence: intron variant.
Genome position (GRCh38, 1-based): chr1:237,496,757, G>A. VCF-style: chr1-237496757-G-A. GRCh37 (hg19) VCF-style: chr1-237660057-G-A.
Other names: c.2203+5G>A (NM_001035.2).
Identifiers: ClinVar variation 927186 (VCV000927186.14), dbSNP rs766288440, ClinGen allele CA085980.

ClinVar aggregate classification (germline): Conflicting classifications of pathogenicity. Review status: criteria provided, conflicting classifications (1 of 4 stars). 5 submissions from 5 submitters: Uncertain significance (3); Likely benign (2). Last evaluated 2025-08-03.

Conditions:
Catecholaminergic polymorphic ventricular tachycardia 1. Also called: RYR2-Related Catecholaminergic Polymorphic Ventricular Tachycardia; VENTRICULAR TACHYCARDIA, STRESS-INDUCED POLYMORPHIC 1; VENTRICULAR TACHYCARDIA, CATECHOLAMINERGIC POLYMORPHIC, 1, WITH OR WITHOUT ATRIAL DYSFUNCTION AND/OR DILATED CARDIOMYOPATHY. Identifiers: Orphanet 3286, MedGen C1631597, MONDO:0011484, OMIM 604772.
Cardiomyopathy (CMYO). Also called: Cardiomyopathies. Identifiers: Orphanet 167848, MedGen C0878544, MONDO:0004994, HP:0001638. Inheritance: Various modes of inheritance.
Cardiovascular phenotype. Identifiers: MedGen CN230736.

Allele frequency attached by ClinVar (database versions not stated): ExAC 0.00003; TOPMed 0.00004.
gnomAD v4.1: 50 of 1,602,066 alleles (0.0031%); highest among the groups gnomAD compares: South Asian, 0.0044%; no homozygotes.

Submissions (5):

Labcorp Genetics (formerly Invitae), Labcorp
Classification: Uncertain significance for Catecholaminergic polymorphic ventricular tachycardia 1. Last evaluated: 2025-08-03. Review status: criteria provided, single submitter. Criteria: Invitae Variant Classification Sherloc (09022015). Collection method: clinical testing. Allele origin: germline.
Comment: This sequence change falls in intron 20 of the RYR2 gene. It does not directly change the encoded amino acid sequence of the RYR2 protein. It affects a nucleotide within the consensus splice site. This variant is present in population databases (rs766288440, gnomAD 0.01%). This variant has not been reported in the literature in individuals affected with RYR2-related conditions. ClinVar contains an entry for this variant (Variation ID: 927186). Variants that disrupt the consensus splice site are a relatively common cause of aberrant splicing (PMID: 17576681, 9536098). Algorithms developed to predict the effect of sequence changes on RNA splicing suggest that this variant is not likely to affect RNA splicing. In summary, the available evidence is currently insufficient to determine the role of this variant in disease. Therefore, it has been classified as a Variant of Uncertain Significance.

Ambry Genetics
Classification: Uncertain significance for Cardiovascular phenotype. Last evaluated: 2025-02-06. Review status: criteria provided, single submitter. Criteria: Ambry Variant Classification Scheme 2023. Collection method: clinical testing. Allele origin: germline.
Comment: The c.2203+5G>A intronic variant results from a G to A substitution 5 nucleotides after coding exon 20 in the RYR2 gene. This alteration has been reported in a hypertrophic cardiomyopathy (HCM) cohort; however, clinical details were limited, and additional cardiac variants were detected (Lopes LR et al. J Med Genet, 2013 Apr;50:228-39). This nucleotide position is not well conserved in available vertebrate species. In silico splice site analysis for this alteration is inconclusive. Since supporting evidence is limited at this time, the clinical significance of this alteration remains unclear.

Blueprint Genetics
Classification: Likely benign. Last evaluated: 2024-10-15. Review status: criteria provided, single submitter. Criteria: ACMG Guidelines, 2015. Collection method: clinical testing. Allele origin: germline.

GeneDx
Classification: Uncertain significance. Last evaluated: 2019-10-29. Review status: criteria provided, single submitter. Criteria: GeneDx Variant Classification Process June 2021. Collection method: clinical testing. Allele origin: germline. Affected: yes.
Comment: Has not been previously published as pathogenic or benign to our knowledge; In-silico analysis, which includes splice predictors and evolutionary conservation, is inconclusive as to whether the variant alters gene splicing. In the absence of RNA/functional studies, the actual effect of this sequence change is unknown.

Color Diagnostics, LLC DBA Color Health
Classification: Likely benign for Cardiomyopathy. Last evaluated: 2019-02-25. Review status: criteria provided, single submitter. Criteria: ACMG Guidelines, 2015. Collection method: clinical testing. Allele origin: germline.

Literature cited by the submitters: PubMed 17576681 (cited by Labcorp Genetics (formerly Invitae), Labcorp); PubMed 9536098 (cited by Labcorp Genetics (formerly Invitae), Labcorp); PubMed 23396983 (cited by Ambry Genetics); PubMed 25351510 (cited by Ambry Genetics).